The following is an entry in ClinVar:

NM_022436.3(ABCG5):c.1304T>C (p.Met435Thr)

Genes: ABCG5 (ATP binding cassette subfamily G member 5; minus strand), DYNC2LI1 (dynein cytoplasmic 2 light intermediate chain 1; plus strand). Cytogenetic location: 2p21.
Variant type: single nucleotide variant.
Coding change: c.1304T>C on transcript NM_022436.3 (MANE Select); coding-DNA position 1304, T replaced by C.
Protein change: p.Met435Thr; replaces methionine 435 with threonine.
Molecular consequence: missense variant. On other transcripts: intron variant (2).
Genome position (GRCh38, 1-based): chr2:43,823,933, A>G on the plus strand (T>C on the coding strand, the complement: ABCG5 is on the minus strand). VCF-style: chr2-43823933-A-G. GRCh37 (hg19) VCF-style: chr2-44051072-A-G.
Other names: c.*16-3453A>G (NM_001348912.2, NM_001348913.2); short protein forms M435T.
Identifiers: ClinVar variation 3227754 (VCV003227754.1), dbSNP rs756162765, ClinGen allele CA46462375.

ClinVar aggregate classification (germline): Uncertain significance (1 of 4 stars; one submission).

Conditions:
Cardiovascular phenotype. Identifiers: MedGen CN230736.

Allele frequency attached by ClinVar (database versions not stated): TOPMed 0.00001.
gnomAD v4.1: 5 of 1,614,194 alleles (0.00031%); highest among the groups gnomAD compares: Non-Finnish European, 0.00034%; no homozygotes.

Submission:

Ambry Genetics
Classification: Uncertain significance for Cardiovascular phenotype. Last evaluated: 2023-09-22. Review status: criteria provided, single submitter. Criteria: Ambry Variant Classification Scheme 2023. Collection method: clinical testing. Allele origin: germline.
Comment: The p.M435T variant (also known as c.1304T>C), located in coding exon 9 of the ABCG5 gene, results from a T to C substitution at nucleotide position 1304. The methionine at codon 435 is replaced by threonine, an amino acid with similar properties. This amino acid position is conserved. In addition, the in silico prediction for this alteration is inconclusive. Since supporting evidence is limited at this time, the clinical significance of this alteration remains unclear.